The following is an entry in ClinVar:

NM_001928.4(CFD):c.625G>A (p.Gly209Arg)

Gene: CFD (complement factor D; plus strand). Cytogenetic location: 19p13.3.
Variant type: single nucleotide variant.
Coding change: c.625G>A on transcript NM_001928.4 (MANE Select); coding-DNA position 625, G replaced by A.
Protein change: p.Gly209Arg; replaces glycine 209 with arginine.
Molecular consequence: missense variant.
Genome position (GRCh38, 1-based): chr19:863,101, G>A. VCF-style: chr19-863101-G-A. GRCh37 (hg19) VCF-style: chr19-863101-G-A.
Other names: c.646G>A, p.Gly216Arg (NM_001317335.2); short protein forms G209R, G216R.
Identifiers: ClinVar variation 1353865 (VCV001353865.7), dbSNP rs1019701292, ClinGen allele CA402923476.
Genomic context (GRCh38, chr19:863,101, plus strand): 5'-AGGCCGGGGTGGGCGCGGGCCGCCCCTCACGGCCCCGTCCTGTTCCGGCAGGGTGACTCC[G>A]GGGGCCCGCTGGTGTGCGGGGGCGTGCTCGAGGGCGTGGTCACCTCGGGCTCGCGCGTTT-3'
Protein context (NP_001919.2, residues 199-219): NRRDSCKGDS[Gly209Arg]GPLVCGGVLE

ClinVar aggregate classification (germline): Uncertain significance. Review status: criteria provided, multiple submitters, no conflicts (2 of 4 stars). 2 submissions from 2 submitters: Uncertain significance (2). Last evaluated 2024-03-19.

gnomAD v4.1: 22 of 1,524,668 alleles (0.0014%); highest among the groups gnomAD compares: Admixed American, 0.002%; no homozygotes.

Submissions (2):

Blueprint Genetics
Classification: Uncertain significance. Last evaluated: 2024-03-19. Review status: criteria provided, single submitter. Criteria: ACMG Guidelines, 2015. Collection method: clinical testing. Allele origin: germline.

Labcorp Genetics (formerly Invitae), Labcorp
Classification: Uncertain significance. Last evaluated: 2021-03-25. Review status: criteria provided, single submitter. Criteria: Invitae Variant Classification Sherloc (09022015). Collection method: clinical testing. Allele origin: germline.
Comment: In summary, the available evidence is currently insufficient to determine the role of this variant in disease. Therefore, it has been classified as a Variant of Uncertain Significance. Algorithms developed to predict the effect of missense changes on protein structure and function are either unavailable or do not agree on the potential impact of this missense change (SIFT: "Not Available"; PolyPhen-2: "Probably Damaging"; Align-GVGD: "Not Available"). This variant has not been reported in the literature in individuals with CFD-related conditions. The frequency data for this variant in the population databases is considered unreliable, as metrics indicate insufficient coverage at this position in the ExAC database. This sequence change replaces glycine with arginine at codon 209 of the CFD protein (p.Gly209Arg). The glycine residue is highly conserved and there is a moderate physicochemical difference between glycine and arginine.